The following is an entry in ClinVar:

NM_000310.4(PPT1):c.10C>T (p.Pro4Ser)

Gene: PPT1 (palmitoyl-protein thioesterase 1; minus strand). Cytogenetic location: 1p34.2.
Variant type: single nucleotide variant.
Coding change: c.10C>T on transcript NM_000310.4 (MANE Select); coding-DNA position 10, C replaced by T.
Protein change: p.Pro4Ser; replaces proline 4 with serine.
Molecular consequence: missense variant.
Genome position (GRCh38, 1-based): chr1:40,097,229, G>A on the plus strand (C>T on the coding strand, the complement: PPT1 is on the minus strand). VCF-style: chr1-40097229-G-A. GRCh37 (hg19) VCF-style: chr1-40562901-G-A.
Other names: c.10C>T, p.Pro4Ser (NM_001142604.2, NM_001363695.2); short protein forms P4S.
Identifiers: ClinVar variation 1401024 (VCV001401024.5), dbSNP rs539194943, ClinGen allele CA789867.
Genomic context (GRCh38, chr1:40,097,229, plus strand): 5'-GCGCCCGAGAAGCGCAGGTCCATGGCAGGAGAGCCACAGCCAAGAGCCACAGGCAGCCGG[G>A]CGACGCCATCTTCGCTGTGTCACATGACCGCGGGCGCGAGACTCCGGGAACCGCGCTCCG-3'
Protein context (NP_000301.1, residues 1-14): MAS[Pro4Ser]GCLWLLAVAL

ClinVar aggregate classification (germline): Uncertain significance (1 of 4 stars; one submission).

Conditions:
Neuronal ceroid lipofuscinosis 1 (CLN1). Also called: CEROID LIPOFUSCINOSIS, NEURONAL, 1, VARIABLE AGE AT ONSET; PPT1-Related Neuronal Ceroid-Lipofuscinosis. Identifiers: Orphanet 228329, MedGen C1850451, MONDO:0009744, OMIM 256730.

Allele frequency attached by ClinVar (database versions not stated): gnomAD exomes below 0.00001; ExAC 0.00001; gnomAD 0.00001; 1000 Genomes Project 0.00020; 1000 Genomes Project 30x 0.00031.
gnomAD v4.1: 4 of 1,613,928 alleles (0.00025%); highest among the groups gnomAD compares: Admixed American, 0.005%; no homozygotes.

Submission:

Labcorp Genetics (formerly Invitae), Labcorp
Classification: Uncertain significance for Neuronal ceroid lipofuscinosis 1. Last evaluated: 2022-02-05. Review status: criteria provided, single submitter. Criteria: Invitae Variant Classification Sherloc (09022015). Collection method: clinical testing. Allele origin: germline.
Comment: This sequence change replaces proline, which is neutral and non-polar, with serine, which is neutral and polar, at codon 4 of the PPT1 protein (p.Pro4Ser). This variant is present in population databases (rs539194943, gnomAD 0.003%). This variant has not been reported in the literature in individuals affected with PPT1-related conditions. Advanced modeling of protein sequence and biophysical properties (such as structural, functional, and spatial information, amino acid conservation, physicochemical variation, residue mobility, and thermodynamic stability) performed at Invitae indicates that this missense variant is not expected to disrupt PPT1 protein function. In summary, the available evidence is currently insufficient to determine the role of this variant in disease. Therefore, it has been classified as a Variant of Uncertain Significance.